The following is an entry in ClinVar:

ClinVar aggregate classification (germline): Benign/Likely benign. Review status: criteria provided, multiple submitters, no conflicts (2 of 4 stars). 4 submissions from 4 submitters: Benign (1); Likely benign (3). Last evaluated 2025-06-25.

Conditions:
Juvenile polyposis syndrome (JPS). Identifiers: Orphanet 2929, MedGen C0345893, MONDO:0017380, OMIM 174900.
Hereditary cancer-predisposing syndrome. Also called: Neoplastic Syndromes, Hereditary; Tumor predisposition; Hereditary Cancer Syndrome; Hereditary neoplastic syndrome. Identifiers: Orphanet 140162, MedGen C0027672, MeSH D009386, MONDO:0015356.

Submissions (4):

Ambry Genetics
Classification: Likely benign for Hereditary cancer-predisposing syndrome. Last evaluated: 2025-06-25. Review status: criteria provided, single submitter. Criteria: Ambry Variant Classification Scheme 2023. Collection method: clinical testing. Allele origin: germline.

Myriad Genetics, Inc.
Classification: Benign for Juvenile polyposis syndrome. Last evaluated: 2024-08-01. Review status: criteria provided, single submitter. Criteria: Myriad Autosomal Dominant, Autosomal Recessive and X-Linked Classification Criteria (2023). Collection method: clinical testing. Allele origin: unknown.
Comment: This variant is considered benign. This variant is a silent/synonymous amino acid change and it is not expected to impact splicing.

Labcorp Genetics (formerly Invitae), Labcorp
Classification: Likely benign for Juvenile polyposis syndrome. Last evaluated: 2023-12-10. Review status: criteria provided, single submitter. Criteria: Invitae Variant Classification Sherloc (09022015). Collection method: clinical testing. Allele origin: germline.

Color Diagnostics, LLC DBA Color Health
Classification: Likely benign for Hereditary cancer-predisposing syndrome. Last evaluated: 2021-02-02. Review status: criteria provided, single submitter. Criteria: ACMG Guidelines, 2015. Collection method: clinical testing. Allele origin: germline.

NM_004329.3(BMPR1A):c.591A>G (p.Glu197=)

Gene: BMPR1A (bone morphogenetic protein receptor type 1A; plus strand). Cytogenetic location: 10q23.2.
Variant type: single nucleotide variant.
Coding change: c.591A>G on transcript NM_004329.3 (MANE Select); coding-DNA position 591, A replaced by G.
Protein change: p.Glu197=; no amino-acid change (glutamic acid 197 retained).
Molecular consequence: synonymous variant.
Genome position (GRCh38, 1-based): chr10:86,912,300, A>G. VCF-style: chr10-86912300-A-G. GRCh37 (hg19) VCF-style: chr10-88672057-A-G.
Identifiers: ClinVar variation 1129867 (VCV001129867.13), dbSNP rs2133544983, ClinGen allele CA470307642.
Genomic context (GRCh38, chr10:86,912,300, plus strand): 5'-ACATTATTGCAAGAGCATCTCAAGCAGACGTCGTTACAATCGTGATTTGGAACAGGATGA[A>G]GCATTTATTCCAGTTGGAGAATCACTAAAAGACCTTATTGACCAGTCACAAAGTTCTGGT-3'
Protein context (NP_004320.2, residues 187-207): RRYNRDLEQD[Glu197=]AFIPVGESLK